The following is an entry in ClinVar:

NM_000051.4(ATM):c.3604G>T (p.Gly1202Ter)

Gene: ATM (ATM serine/threonine kinase; plus strand). Cytogenetic location: 11q22.3.
Variant type: single nucleotide variant.
Coding change: c.3604G>T on transcript NM_000051.4 (MANE Select); coding-DNA position 3604, G replaced by T.
Protein change: p.Gly1202Ter; replaces glycine 1202 with a stop codon.
Molecular consequence: nonsense.
Genome position (GRCh38, 1-based): chr11:108,282,737, G>T. VCF-style: chr11-108282737-G-T. GRCh37 (hg19) VCF-style: chr11-108153464-G-T.
Other names: c.3604G>T, p.Gly1202Ter (NM_001351834.2); short protein forms G1202*.
Identifiers: ClinVar variation 1050755 (VCV001050755.1), dbSNP rs536110861, ClinGen allele CA382522720.

ClinVar aggregate classification (germline): Uncertain significance (0 of 4 stars; one submission).

Submission:

Department of Pathology and Laboratory Medicine, Sinai Health System
Classification: Uncertain significance. Review status: no assertion criteria provided. Collection method: clinical testing. Allele origin: unknown. Affected: yes. Study: The Canadian Open Genetics Repository (COGR).
Comment: Why was this filtered out?